The following is an entry in ClinVar:

NM_000455.5(STK11):c.103A>G (p.Ile35Val)

Gene: STK11 (serine/threonine kinase 11; plus strand). Cytogenetic location: 19p13.3.
Variant type: single nucleotide variant.
Coding change: c.103A>G on transcript NM_000455.5 (MANE Select); coding-DNA position 103, A replaced by G.
Protein change: p.Ile35Val; replaces isoleucine 35 with valine.
Molecular consequence: missense variant.
Genome position (GRCh38, 1-based): chr19:1,207,016, A>G. VCF-style: chr19-1207016-A-G. GRCh37 (hg19) VCF-style: chr19-1207015-A-G.
Other names: short protein forms I35V.
Identifiers: ClinVar variation 141018 (VCV000141018.20), dbSNP rs587781437, ClinGen allele CA022205.

ClinVar aggregate classification (germline): Uncertain significance. Review status: criteria provided, multiple submitters, no conflicts (2 of 4 stars). 5 submissions from 5 submitters: Uncertain significance (5). Last evaluated 2025-03-13.

Conditions:
Hereditary cancer-predisposing syndrome. Also called: Neoplastic Syndromes, Hereditary; Hereditary Cancer Syndrome; Hereditary neoplastic syndrome; Tumor predisposition. Identifiers: Orphanet 140162, MedGen C0027672, MeSH D009386, MONDO:0015356.
Peutz-Jeghers syndrome (PJS). Also called: Peutz-Jeghers polyposis; Periorificial lentiginosis syndrome; POLYPOSIS, HAMARTOMATOUS INTESTINAL; POLYPS-AND-SPOTS SYNDROME. Identifiers: Orphanet 2869, MedGen C0031269, MeSH D010580, MONDO:0008280, OMIM 175200.

Allele frequency attached by ClinVar (database versions not stated): TOPMed below 0.00001.

Submissions (5):

Labcorp Genetics (formerly Invitae), Labcorp
Classification: Uncertain significance for Peutz-Jeghers syndrome. Last evaluated: 2025-03-13. Review status: criteria provided, single submitter. Criteria: Invitae Variant Classification Sherloc (09022015). Collection method: clinical testing. Allele origin: germline.
Comment: This sequence change replaces isoleucine, which is neutral and non-polar, with valine, which is neutral and non-polar, at codon 35 of the STK11 protein (p.Ile35Val). This variant is not present in population databases (gnomAD no frequency). This variant has not been reported in the literature in individuals affected with STK11-related conditions. ClinVar contains an entry for this variant (Variation ID: 141018). Invitae Evidence Modeling of protein sequence and biophysical properties (such as structural, functional, and spatial information, amino acid conservation, physicochemical variation, residue mobility, and thermodynamic stability) has been performed for this missense variant. However, the output from this modeling did not meet the statistical confidence thresholds required to predict the impact of this variant on STK11 protein function. In summary, the available evidence is currently insufficient to determine the role of this variant in disease. Therefore, it has been classified as a Variant of Uncertain Significance.

Ambry Genetics
Classification: Uncertain significance for Hereditary cancer-predisposing syndrome. Last evaluated: 2024-09-15. Review status: criteria provided, single submitter. Criteria: Ambry Variant Classification Scheme 2023. Collection method: clinical testing. Allele origin: germline.
Comment: The p.I35V variant (also known as c.103A>G), located in coding exon 1 of the STK11 gene, results from an A to G substitution at nucleotide position 103. The isoleucine at codon 35 is replaced by valine, an amino acid with highly similar properties. This amino acid position is highly conserved in available vertebrate species. In addition, this alteration is predicted to be tolerated by in silico analysis. Since supporting evidence is limited at this time, the clinical significance of this alteration remains unclear.

All of Us Research Program, National Institutes of Health
Classification: Uncertain significance for Peutz-Jeghers syndrome. Last evaluated: 2024-03-05. Review status: criteria provided, single submitter. Criteria: ACMG Guidelines, 2015. Collection method: clinical testing. Allele origin: germline. Inheritance: Autosomal dominant inheritance. Observed: 2 variant alleles, 2 heterozygotes.
Comment: This missense variant replaces isoleucine with valine at codon 35 of the STK11 protein. Computational prediction suggests that this variant may not impact protein structure and function (internally defined REVEL score threshold <= 0.5, PMID: 27666373). To our knowledge, functional studies have not been reported for this variant. This variant has not been reported in individuals affected with STK11-related disorders in the literature. This variant has not been identified in the general population by the Genome Aggregation Database (gnomAD). The available evidence is insufficient to determine the role of this variant in disease conclusively. Therefore, this variant is classified as a Variant of Uncertain Significance.

This study involves interpretation of variants in research participants for the purpose of population health screening. Participant phenotype was not available at the time of variant classification. Additional details can be found in publication PMID: 35346344, PMCID: PMC8962531

Women's Health and Genetics/Laboratory Corporation of America, LabCorp
Classification: Uncertain significance. Last evaluated: 2022-02-28. Review status: criteria provided, single submitter. Criteria: LabCorp Variant Classification Summary - May 2015. Collection method: clinical testing. Allele origin: germline.
Comment: Variant summary: STK11 c.103A>G (p.Ile35Val) results in a conservative amino acid change in the encoded protein sequence. Three of five in-silico tools predict a benign effect of the variant on protein function. The variant was absent in 247930 control chromosomes. The available data on variant occurrences in the general population are insufficient to allow any conclusion about variant significance. To our knowledge, no occurrence of c.103A>G in individuals affected with Peutz-Jeghers Syndrome and no experimental evidence demonstrating its impact on protein function have been reported. Three clinical diagnostic laboratories have submitted clinical-significance assessments for this variant to ClinVar after 2014 without evidence for independent evaluation. All laboratories classified the variant as uncertain significance. Based on the evidence outlined above, the variant was classified as uncertain significance.

Genome-Nilou Lab
Classification: Uncertain significance for Peutz-Jeghers syndrome. Last evaluated: 2021-07-15. Review status: criteria provided, single submitter. Criteria: ACMG Guidelines, 2015. Collection method: clinical testing. Allele origin: germline. Affected: no.